The following is an entry in ClinVar:

ClinVar aggregate classification (germline): Conflicting classifications of pathogenicity. Review status: criteria provided, conflicting classifications (1 of 4 stars). 5 submissions from 5 submitters: Uncertain significance (1); Likely benign (3). 1 of the submissions does not count toward it. Last evaluated 2026-01-04.

Conditions:
Malignant hyperthermia, susceptibility to, 1 (MHS1). Also called: Malignant hyperthermia suceptibility 1; Anesthesia related hyperthermia; Malignant hyperpyrexia; Fulminating hyperpyrexia; Pharmacogenic myopathy; RYR1-Related Malignant Hyperthermia Susceptibility. Identifiers: Orphanet 423, MedGen C2930980, MONDO:0007783, OMIM 145600.
RYR1-related disorder. Also called: RYR1-related condition; RYR1-related disorders. Identifiers: MedGen CN239331.

Allele frequency attached by ClinVar (database versions not stated): TOPMed 0.00004; gnomAD 0.00005; ExAC 0.00006; 1000 Genomes Project 30x 0.00031.
gnomAD v4.1: 42 of 1,614,120 alleles (0.0026%); highest among the groups gnomAD compares: African/African-American, 0.008%; no homozygotes.

Submissions (5):

Labcorp Genetics (formerly Invitae), Labcorp
Classification: Likely benign for RYR1-related disorder. Last evaluated: 2026-01-04. Review status: criteria provided, single submitter. Criteria: Invitae Variant Classification Sherloc (09022015). Collection method: clinical testing. Allele origin: germline.

Blueprint Genetics
Classification: Likely benign. Last evaluated: 2024-08-30. Review status: criteria provided, single submitter. Criteria: ACMG Guidelines, 2015. Collection method: clinical testing. Allele origin: germline.

Color Diagnostics, LLC DBA Color Health
Classification: Likely benign for Malignant hyperthermia, susceptibility to, 1. Last evaluated: 2022-11-06. Review status: criteria provided, single submitter. Criteria: ACMG Guidelines, 2015. Collection method: clinical testing. Allele origin: germline.

CeGaT Center for Human Genetics Tuebingen
Classification: Uncertain significance. Last evaluated: 2017-08-01. Review status: criteria provided, single submitter. Criteria: CeGaT Center For Human Genetics Tuebingen Variant Classification Criteria Version 2. Collection method: clinical testing. Allele origin: germline. Affected: yes. Observed: 1 variant allele.

PreventionGenetics, part of Exact Sciences
Classification: Likely benign for RYR1-related condition. Last evaluated: 2019-08-20. Review status: no assertion criteria provided. Collection method: clinical testing. Allele origin: germline. Not counted in ClinVar's aggregate classification.
Comment: This variant is classified as likely benign based on ACMG/AMP sequence variant interpretation guidelines (Richards et al. 2015 PMID: 25741868, with internal and published modifications).

NM_000540.3(RYR1):c.9348G>A (p.Ser3116=)

Gene: RYR1 (ryanodine receptor 1; plus strand). Cytogenetic location: 19q13.2.
Variant type: single nucleotide variant.
Coding change: c.9348G>A on transcript NM_000540.3 (MANE Select); coding-DNA position 9348, G replaced by A.
Protein change: p.Ser3116=; no amino-acid change (serine 3116 retained).
Molecular consequence: synonymous variant.
Genome position (GRCh38, 1-based): chr19:38,512,359, G>A. VCF-style: chr19-38512359-G-A. GRCh37 (hg19) VCF-style: chr19-39002999-G-A.
Other names: c.9348G>A, p.Ser3116= (NM_001042723.2).
Identifiers: ClinVar variation 493259 (VCV000493259.53), dbSNP rs763655831, ClinGen allele CA073506.